The following is an entry in ClinVar:

NM_144694.5(ZNF570):c.732A>G (p.Lys244=)

Gene: ZNF570 (zinc finger protein 570; plus strand). Cytogenetic location: 19q13.12.
Variant type: single nucleotide variant.
Coding change: c.732A>G on transcript NM_144694.5 (MANE Select); coding-DNA position 732, A replaced by G.
Protein change: p.Lys244=; no amino-acid change (lysine 244 retained).
Molecular consequence: synonymous variant.
Genome position (GRCh38, 1-based): chr19:37,484,354, A>G. VCF-style: chr19-37484354-A-G. GRCh37 (hg19) VCF-style: chr19-37975256-A-G.
Other names: c.900A>G, p.Lys300= (NM_001300993.3); c.732A>G, p.Lys244= (NM_001321991.3); c.606A>G, p.Lys202= (NM_001321992.3); c.123A>G, p.Lys41= (NM_001321993.3, NM_001321994.3).
Identifiers: ClinVar variation 2649773 (VCV002649773.24), dbSNP rs74194917, ClinGen allele CA9405630.

ClinVar aggregate classification (germline): Likely benign (1 of 4 stars; one submission).

Allele frequency attached by ClinVar (database versions not stated): gnomAD exomes 0.00026; gnomAD 0.00033; TOPMed 0.00039; ExAC 0.00071; 1000 Genomes Project 0.00180; 1000 Genomes Project 30x 0.00203.

Submission:

CeGaT Center for Human Genetics Tuebingen
Classification: Likely benign. Last evaluated: 2023-04-01. Review status: criteria provided, single submitter. Criteria: CeGaT Center For Human Genetics Tuebingen Variant Classification Criteria Version 2. Collection method: clinical testing. Allele origin: germline. Affected: yes. Observed: 1 variant allele.
Comment: ZNF570: BP4, BP7